The following is an entry in ClinVar:

NM_006019.4(TCIRG1):c.398G>A (p.Arg133His)

Gene: TCIRG1 (T cell immune regulator 1, ATPase H+ transporting V0 subunit a3; plus strand). Cytogenetic location: 11q13.2.
Variant type: single nucleotide variant.
Coding change: c.398G>A on transcript NM_006019.4 (MANE Select); coding-DNA position 398, G replaced by A.
Protein change: p.Arg133His; replaces arginine 133 with histidine.
Molecular consequence: missense variant. On other transcripts: 5 prime UTR variant (1).
Genome position (GRCh38, 1-based): chr11:68,042,844, G>A. VCF-style: chr11-68042844-G-A. GRCh37 (hg19) VCF-style: chr11-67810311-G-A.
Other names: c.398G>A (NM_006019.3); c.-852G>A (NM_001351059.2); short protein forms R133H.
Identifiers: ClinVar variation 2047319 (VCV002047319.4), dbSNP rs201233914, ClinGen allele CA6146705.

ClinVar aggregate classification (germline): Uncertain significance. Review status: criteria provided, multiple submitters, no conflicts (2 of 4 stars). 2 submissions from 2 submitters: Uncertain significance (2). Last evaluated 2026-01-24.

Conditions:
Inborn genetic diseases. Identifiers: MedGen C0950123, MeSH D030342.

Allele frequency attached by ClinVar (database versions not stated): TOPMed 0.00004; gnomAD 0.00006; 1000 Genomes Project 30x 0.00016; ESP Exome Variant Server 0.00017; 1000 Genomes Project 0.00020.
gnomAD v4.1: 82 of 1,549,364 alleles (0.0053%); highest among the groups gnomAD compares: Non-Finnish European, 0.0065%; no homozygotes.

Submissions (2):

Labcorp Genetics (formerly Invitae), Labcorp
Classification: Uncertain significance. Last evaluated: 2026-01-24. Review status: criteria provided, single submitter. Criteria: Invitae Variant Classification Sherloc (09022015). Collection method: clinical testing. Allele origin: germline.
Comment: This sequence change replaces arginine, which is basic and polar, with histidine, which is basic and polar, at codon 133 of the TCIRG1 protein (p.Arg133His). This variant is present in population databases (rs201233914, gnomAD 0.007%). This variant has not been reported in the literature in individuals affected with TCIRG1-related conditions. ClinVar contains an entry for this variant (Variation ID: 2047319). Invitae Evidence Modeling of protein sequence and biophysical properties (such as structural, functional, and spatial information, amino acid conservation, physicochemical variation, residue mobility, and thermodynamic stability) indicates that this missense variant is not expected to disrupt TCIRG1 protein function with a negative predictive value of 80%. In summary, the available evidence is currently insufficient to determine the role of this variant in disease. Therefore, it has been classified as a Variant of Uncertain Significance.

Ambry Genetics
Classification: Uncertain significance for Inborn genetic diseases. Last evaluated: 2025-02-08. Review status: criteria provided, single submitter. Criteria: Ambry Variant Classification Scheme 2023. Collection method: clinical testing. Allele origin: germline.